The following is an entry in ClinVar:

ClinVar aggregate classification (germline): Conflicting classifications of pathogenicity. Review status: criteria provided, conflicting classifications (1 of 4 stars). 4 submissions from 4 submitters: Uncertain significance (1); Likely benign (2). 1 of the submissions does not count toward it. Last evaluated 2024-09-11.

Conditions:
Epidermolysis bullosa simplex 5B, with muscular dystrophy (EBS5B). Also called: Epidermolysis bullosa simplex with muscular dystrophy; EPIDERMOLYSIS BULLOSA SIMPLEX AND LIMB-GIRDLE MUSCULAR DYSTROPHY. Identifiers: Orphanet 257, MedGen C2931072, MONDO:0009181, OMIM 226670.
Epidermolysis bullosa simplex with nail dystrophy (EBS5D). Identifiers: MedGen C4225309, MONDO:0014661, OMIM 616487.
Epidermolysis bullosa simplex, Ogna type (EBS5A). Also called: Pidermolysis bullosa simplex 5A, Ogna type; EPIDERMOLYSIS BULLOSA SIMPLEX 5A, OGNA TYPE. Identifiers: Orphanet 79401, MedGen C0432317, MONDO:0007555, OMIM 131950.
Autosomal recessive limb-girdle muscular dystrophy type 2Q (LGMDR17). Also called: MUSCULAR DYSTROPHY, LIMB-GIRDLE, AUTOSOMAL RECESSIVE 17. Identifiers: Orphanet 254361, MedGen C3150989, MONDO:0013390, OMIM 613723.
Epidermolysis bullosa simplex 5C, with pyloric atresia (EBS5C). Also called: PLEC-Related Epidermolysis Bullosa with Pyloric Atresia; Epidermolysis bullosa simplex with pyloric atresia; PLEC1-Related Epidermolysis Bullosa with Pyloric Atresia. Identifiers: Orphanet 158684, MedGen C2677349, MONDO:0012807, OMIM 612138.
PLEC-related disorder. Also called: PLEC-related disorders; PLEC-related condition.

Allele frequency attached by ClinVar (database versions not stated): gnomAD exomes below 0.00001 and 0.00001; gnomAD 0.00001; TOPMed 0.00002.
gnomAD v4.1: 4 of 1,560,610 alleles (0.00026%); highest among the groups gnomAD compares: Non-Finnish European, 0.00035%; no homozygotes.

Submissions (4):

Blueprint Genetics
Classification: Likely benign. Last evaluated: 2024-09-11. Review status: criteria provided, single submitter. Criteria: ACMG Guidelines, 2015. Collection method: clinical testing. Allele origin: germline.

Labcorp Genetics (formerly Invitae), Labcorp
Classification: Likely benign for Autosomal recessive limb-girdle muscular dystrophy type 2Q; Epidermolysis bullosa simplex, Ogna type; Epidermolysis bullosa simplex with nail dystrophy; Epidermolysis bullosa simplex 5C, with pyloric atresia; Epidermolysis bullosa simplex 5B, with muscular dystrophy. Last evaluated: 2024-06-16. Review status: criteria provided, single submitter. Criteria: Invitae Variant Classification Sherloc (09022015). Collection method: clinical testing. Allele origin: germline.

Athena Diagnostics
Classification: Uncertain significance. Last evaluated: 2020-01-23. Review status: criteria provided, single submitter. Criteria: Athena Diagnostics Criteria. Collection method: clinical testing. Allele origin: unknown.

PreventionGenetics, part of Exact Sciences
Classification: Likely benign for PLEC-related condition. Last evaluated: 2019-02-20. Review status: no assertion criteria provided. Collection method: clinical testing. Allele origin: germline. Not counted in ClinVar's aggregate classification.
Comment: This variant is classified as likely benign based on ACMG/AMP sequence variant interpretation guidelines (Richards et al. 2015 PMID: 25741868, with internal and published modifications).

NM_201384.3(PLEC):c.3081+9C>T

Gene: PLEC (plectin; minus strand). Cytogenetic location: 8q24.3.
Variant type: single nucleotide variant.
Coding change: c.3081+9C>T on transcript NM_201384.3 (MANE Select); 9 bases into the intron after coding-DNA position 3081, C replaced by T.
Molecular consequence: intron variant.
Genome position (GRCh38, 1-based): chr8:143,929,405, G>A on the plus strand (C>T on the coding strand, the complement: PLEC is on the minus strand). VCF-style: chr8-143929405-G-A. GRCh37 (hg19) VCF-style: chr8-145003573-G-A.
Other names: c.3162+9C>T (NM_000445.5); c.3039+9C>T (NM_201378.4); c.3015+9C>T (NM_201379.3); c.3492+9C>T (NM_201380.4); c.2985+9C>T (NM_201381.3); c.3081+9C>T (NM_201382.4); c.3093+9C>T (NM_201383.3).
Identifiers: ClinVar variation 749351 (VCV000749351.10), dbSNP rs371983298, ClinGen allele CA187618976.
Genomic context (GRCh38, chr8:143,929,405, plus strand): 5'-CCAAAGGAGGGAGGGTGGGAGGAGGGATGGGGAGAGGGATGGGACTGGATGGGGGGGGAC[G>A]GCCCCTGCCTGCTGCTCGGCGATGCGCTGGGCACACTCCCGTGCCGGCTCTTTGTCCAGC-3'